The following is an entry in ClinVar:

NM_001942.4(DSG1):c.1714G>A (p.Asp572Asn)

Genes: DSG1 (desmoglein 1; plus strand), DSG1-AS1 (DSG1 antisense RNA 1; minus strand). Cytogenetic location: 18q12.1.
Variant type: single nucleotide variant.
Coding change: c.1714G>A on transcript NM_001942.4 (MANE Select); coding-DNA position 1714, G replaced by A.
Protein change: p.Asp572Asn; replaces aspartic acid 572 with asparagine.
Molecular consequence: missense variant. On other transcripts: non-coding transcript variant (2).
Genome position (GRCh38, 1-based): chr18:31,343,476, G>A. VCF-style: chr18-31343476-G-A. GRCh37 (hg19) VCF-style: chr18-28923439-G-A.
Other names: c.1714G>A (NM_001942.3); short protein forms D572N.
Identifiers: ClinVar variation 1441393 (VCV001441393.7), dbSNP rs137983671, ClinGen allele CA8926158.

ClinVar aggregate classification (germline): Uncertain significance. Review status: criteria provided, multiple submitters, no conflicts (2 of 4 stars). 2 submissions from 2 submitters: Uncertain significance (2). Last evaluated 2026-01-18.

Conditions:
DSG1-related disorder. Also called: DSG1-related condition.

Allele frequency attached by ClinVar (database versions not stated): gnomAD 0.00036 and 0.00042; TOPMed 0.00042; 1000 Genomes Project 30x 0.00047; gnomAD exomes 0.00051 and 0.00080; ExAC 0.00058; 1000 Genomes Project 0.00060; ESP Exome Variant Server 0.00092.
gnomAD v4.1: 1,229 of 1,614,162 alleles (0.076%); highest among the groups gnomAD compares: Non-Finnish European, 0.092%; no homozygotes.

Submissions (2):

Labcorp Genetics (formerly Invitae), Labcorp
Classification: Uncertain significance. Last evaluated: 2026-01-18. Review status: criteria provided, single submitter. Criteria: Invitae Variant Classification Sherloc (09022015). Collection method: clinical testing. Allele origin: germline.
Comment: This sequence change replaces aspartic acid, which is acidic and polar, with asparagine, which is neutral and polar, at codon 572 of the DSG1 protein (p.Asp572Asn). This variant is present in population databases (rs137983671, gnomAD 0.08%), and has an allele count higher than expected for a pathogenic variant. This missense change has been observed in individual(s) with eosinophilic esophagitis (PMID: 34815391). ClinVar contains an entry for this variant (Variation ID: 1441393). Invitae Evidence Modeling of protein sequence and biophysical properties (such as structural, functional, and spatial information, amino acid conservation, physicochemical variation, residue mobility, and thermodynamic stability) indicates that this missense variant is not expected to disrupt DSG1 protein function with a negative predictive value of 80%. In summary, the available evidence is currently insufficient to determine the role of this variant in disease. Therefore, it has been classified as a Variant of Uncertain Significance.

PreventionGenetics, part of Exact Sciences
Classification: Uncertain significance for DSG1-related condition. Last evaluated: 2025-08-25. Review status: criteria provided, single submitter. Criteria: ACMG Guidelines, 2015. Collection method: clinical testing. Allele origin: germline.
Comment: The DSG1 c.1714G>A variant is predicted to result in the amino acid substitution p.Asp572Asn. This variant has been reported in a study of individual with eosinophilic esophagitis (Supplementary Table 7, Shoda et al. 2021. PubMed ID: 34815391). This variant is reported in 0.081% of alleles in individuals of European (Non-Finnish) descent in gnomAD. Although we suspect that this variant may be benign, at this time, the clinical significance of this variant is uncertain due to the absence of conclusive functional and genetic evidence.

Literature cited by the submitters: PubMed 34815391 (cited by Labcorp Genetics (formerly Invitae), Labcorp).